The following is an entry in ClinVar:

ClinVar aggregate classification (germline): Uncertain significance. Review status: criteria provided, multiple submitters, no conflicts (2 of 4 stars). 3 submissions from 3 submitters: Uncertain significance (3). Last evaluated 2025-07-02.

Conditions:
Hereditary cancer-predisposing syndrome. Also called: Neoplastic Syndromes, Hereditary; Tumor predisposition; Hereditary Cancer Syndrome; Hereditary neoplastic syndrome. Identifiers: Orphanet 140162, MedGen C0027672, MeSH D009386, MONDO:0015356.
Gastrointestinal stromal tumor. Also called: Gastrointestinal stromal tumor, somatic; Gastrointestinal stroma tumor. Identifiers: Orphanet 44890, MedGen C0238198, MeSH D046152, MONDO:0011719, OMIM 606764, HP:0100723.
Polyps, multiple and recurrent inflammatory fibroid, gastrointestinal. Identifiers: MedGen C5193005, MONDO:0008285, OMIM 175510.

Allele frequency attached by ClinVar (database versions not stated): gnomAD exomes 0.00001.
gnomAD v4.1: 16 of 1,614,028 alleles (0.00099%); highest among the groups gnomAD compares: Non-Finnish European, 0.0013%; no homozygotes.

Submissions (3):

Labcorp Genetics (formerly Invitae), Labcorp
Classification: Uncertain significance for Gastrointestinal stromal tumor. Last evaluated: 2025-07-02. Review status: criteria provided, single submitter. Criteria: Invitae Variant Classification Sherloc (09022015). Collection method: clinical testing. Allele origin: germline.
Comment: This sequence change replaces glutamic acid, which is acidic and polar, with lysine, which is basic and polar, at codon 190 of the PDGFRA protein (p.Glu190Lys). This variant is not present in population databases (gnomAD no frequency). This variant has not been reported in the literature in individuals affected with PDGFRA-related conditions. ClinVar contains an entry for this variant (Variation ID: 846650). An algorithm developed to predict the effect of missense changes on protein structure and function (PolyPhen-2) suggests that this variant is likely to be tolerated. In summary, the available evidence is currently insufficient to determine the role of this variant in disease. Therefore, it has been classified as a Variant of Uncertain Significance.

Ambry Genetics
Classification: Uncertain significance for Hereditary cancer-predisposing syndrome. Last evaluated: 2024-05-05. Review status: criteria provided, single submitter. Criteria: Ambry Variant Classification Scheme 2023. Collection method: clinical testing. Allele origin: germline.
Comment: The p.E190K variant (also known as c.568G>A), located in coding exon 3 of the PDGFRA gene, results from a G to A substitution at nucleotide position 568. The glutamic acid at codon 190 is replaced by lysine, an amino acid with similar properties. This amino acid position is conserved. In addition, this alteration is predicted to be tolerated by in silico analysis. Since supporting evidence is limited at this time, the clinical significance of this alteration remains unclear.

Baylor Genetics
Classification: Uncertain significance for Polyps, multiple and recurrent inflammatory fibroid, gastrointestinal. Last evaluated: 2023-11-22. Review status: criteria provided, single submitter. Criteria: ACMG Guidelines, 2015. Collection method: clinical testing. Allele origin: unknown.

NM_006206.6(PDGFRA):c.568G>A (p.Glu190Lys)

Gene: PDGFRA (platelet derived growth factor receptor alpha; plus strand). Cytogenetic location: 4q12.
Variant type: single nucleotide variant.
Coding change: c.568G>A on transcript NM_006206.6 (MANE Select); coding-DNA position 568, G replaced by A.
Protein change: p.Glu190Lys; replaces glutamic acid 190 with lysine.
Molecular consequence: missense variant.
Genome position (GRCh38, 1-based): chr4:54,263,867, G>A. VCF-style: chr4-54263867-G-A. GRCh37 (hg19) VCF-style: chr4-55130034-G-A.
Other names: c.568G>A, p.Glu190Lys (NM_001347827.2, NM_001347829.2); c.643G>A, p.Glu215Lys (NM_001347828.2); c.607G>A, p.Glu203Lys (NM_001347830.2); short protein forms E190K, E215K, E203K.
Identifiers: ClinVar variation 846650 (VCV000846650.12), dbSNP rs1036522662, ClinGen allele CA96849191.